The following is an entry in ClinVar:

ClinVar aggregate classification (germline): Uncertain significance (1 of 4 stars; one submission).

Conditions:
Renal cell carcinoma. Identifiers: Orphanet 217071, MedGen C0007134, MeSH D002292, MONDO:0005086, HP:0005584.

Submission:

Labcorp Genetics (formerly Invitae), Labcorp
Classification: Uncertain significance for Renal cell carcinoma. Last evaluated: 2023-08-09. Review status: criteria provided, single submitter. Criteria: Invitae Variant Classification Sherloc (09022015). Collection method: clinical testing. Allele origin: germline.
Comment: Advanced modeling of protein sequence and biophysical properties (such as structural, functional, and spatial information, amino acid conservation, physicochemical variation, residue mobility, and thermodynamic stability) performed at Invitae indicates that this missense variant is not expected to disrupt MET protein function. In summary, the available evidence is currently insufficient to determine the role of this variant in disease. Therefore, it has been classified as a Variant of Uncertain Significance. This variant has not been reported in the literature in individuals affected with MET-related conditions. This variant is not present in population databases (gnomAD no frequency). This sequence change replaces isoleucine, which is neutral and non-polar, with leucine, which is neutral and non-polar, at codon 446 of the MET protein (p.Ile446Leu).

NM_000245.4(MET):c.1336A>C (p.Ile446Leu)

Gene: MET (MET proto-oncogene, receptor tyrosine kinase; plus strand). Cytogenetic location: 7q31.2.
Variant type: single nucleotide variant.
Coding change: c.1336A>C on transcript NM_000245.4 (MANE Select); coding-DNA position 1336, A replaced by C.
Protein change: p.Ile446Leu; replaces isoleucine 446 with leucine.
Molecular consequence: missense variant.
Genome position (GRCh38, 1-based): chr7:116,731,803, A>C. VCF-style: chr7-116731803-A-C. GRCh37 (hg19) VCF-style: chr7-116371857-A-C.
Other names: c.1336A>C, p.Ile446Leu (NM_001127500.3, NM_001324401.3); c.46A>C, p.Ile16Leu (NM_001324402.2); short protein forms I16L, I446L.
Identifiers: ClinVar variation 2861504 (VCV002861504.3), dbSNP rs779022887, ClinGen allele CA368972956.
Genomic context (GRCh38, chr7:116,731,803, plus strand): 5'-CGCGTTGACTTATTCATGGGTCAATTCAGCGAAGTCCTCTTAACATCTATATCCACCTTC[A>C]TTAAAGGAGACCTCACCATAGCTAATCTTGGGACATCAGAGGGTCGCTTCATGCAGGTAA-3'
Protein context (NP_000236.2, residues 436-456): EVLLTSISTF[Ile446Leu]KGDLTIANLG